The following is an entry in ClinVar:

NM_001378454.1(ALMS1):c.6350A>G (p.Asp2117Gly)

Gene: ALMS1 (ALMS1 centrosome and basal body associated protein; plus strand). Cytogenetic location: 2p13.1.
Variant type: single nucleotide variant.
Coding change: c.6350A>G on transcript NM_001378454.1 (MANE Select); coding-DNA position 6350, A replaced by G.
Protein change: p.Asp2117Gly; replaces aspartic acid 2117 with glycine.
Molecular consequence: missense variant.
Genome position (GRCh38, 1-based): chr2:73,452,877, A>G. VCF-style: chr2-73452877-A-G. GRCh37 (hg19) VCF-style: chr2-73680004-A-G.
Other names: c.6353A>G, p.Asp2118Gly (NM_015120.4); short protein forms D2117G, D2118G.
Identifiers: ClinVar variation 1310238 (VCV001310238.6), dbSNP rs1671977745, ClinGen allele CA347285767.

ClinVar aggregate classification (germline): Uncertain significance. Review status: criteria provided, multiple submitters, no conflicts (2 of 4 stars). 2 submissions from 2 submitters: Uncertain significance (2). Last evaluated 2024-04-18.

Conditions:
Alstrom syndrome (ALMS). Identifiers: Orphanet 64, MedGen C0268425, MONDO:0008763, OMIM 203800.

Allele frequency attached by ClinVar (database versions not stated): gnomAD 0.00001.

Submissions (2):

Labcorp Genetics (formerly Invitae), Labcorp
Classification: Uncertain significance for Alstrom syndrome. Last evaluated: 2024-04-18. Review status: criteria provided, single submitter. Criteria: Invitae Variant Classification Sherloc (09022015). Collection method: clinical testing. Allele origin: germline.
Comment: This sequence change replaces aspartic acid, which is acidic and polar, with glycine, which is neutral and non-polar, at codon 2118 of the ALMS1 protein (p.Asp2118Gly). This variant is not present in population databases (gnomAD no frequency). This variant has not been reported in the literature in individuals affected with ALMS1-related conditions. ClinVar contains an entry for this variant (Variation ID: 1310238). Experimental studies and prediction algorithms are not available or were not evaluated, and the functional significance of this variant is currently unknown. In summary, the available evidence is currently insufficient to determine the role of this variant in disease. Therefore, it has been classified as a Variant of Uncertain Significance.

GeneDx
Classification: Uncertain significance. Last evaluated: 2019-11-12. Review status: criteria provided, single submitter. Criteria: GeneDx Variant Classification Process June 2021. Collection method: clinical testing. Allele origin: germline. Affected: yes.
Comment: Not observed in large population cohorts (Lek et al., 2016); In silico analysis, which includes protein predictors and evolutionary conservation, supports a deleterious effect; Has not been previously published as pathogenic or benign to our knowledge